The following is an entry in ClinVar:

NM_002474.3(MYH11):c.3652-2A>G

Gene: MYH11 (myosin heavy chain 11; minus strand). Cytogenetic location: 16p13.11.
Variant type: single nucleotide variant.
Coding change: c.3652-2A>G on transcript NM_002474.3 (MANE Select); the canonical splice acceptor site of the intron before coding-DNA position 3652, A replaced by G.
Molecular consequence: splice acceptor variant.
Genome position (GRCh38, 1-based): chr16:15,727,056, T>C on the plus strand (A>G on the coding strand, the complement: MYH11 is on the minus strand). VCF-style: chr16-15727056-T-C. GRCh37 (hg19) VCF-style: chr16-15820913-T-C.
Other names: c.3652-2A>G (NM_022844.3); c.3673-2A>G (NM_001040114.2, NM_001040113.2).
Identifiers: ClinVar variation 1944896 (VCV001944896.5), dbSNP rs113989591, ClinGen allele CA278609985.
Genomic context (GRCh38, chr16:15,727,056, plus strand): 5'-GCCAGGTCTGCGTTCTCTTTCTCCAGCGTCTGCTTATTCTTGTCTAGGTTCGCCTTGGCC[T>C]GGCGAAGGAAGCAGAGGGGAGGGATAACAGGGAGGCTGTGGCCGGGAGAACGTTTCAGGC-3'

ClinVar aggregate classification (germline): Likely pathogenic (1 of 4 stars; one submission).

Conditions:
Aortic aneurysm, familial thoracic 4 (AAT4). Also called: AORTIC ANEURYSM/AORTIC DISSECTION AND PATENT DUCTUS ARTERIOSUS. Identifiers: MedGen C1851504, MONDO:0007568, OMIM 132900.

Submission:

Labcorp Genetics (formerly Invitae), Labcorp
Classification: Likely pathogenic for Aortic aneurysm, familial thoracic 4. Last evaluated: 2025-02-09. Review status: criteria provided, single submitter. Criteria: Invitae Variant Classification Sherloc (09022015). Collection method: clinical testing. Allele origin: germline.
Comment: This sequence change affects an acceptor splice site in intron 28 of the MYH11 gene. It is expected to disrupt RNA splicing. Variants that disrupt the donor or acceptor splice site typically lead to a loss of protein function (PMID: 16199547), and loss-of-function variants in MYH11 are known to be pathogenic (PMID: 25407000, 29575632). This variant is not present in population databases (gnomAD no frequency). This variant has not been reported in the literature in individuals affected with MYH11-related conditions. ClinVar contains an entry for this variant (Variation ID: 1944896). Algorithms developed to predict the effect of sequence changes on RNA splicing suggest that this variant may disrupt the consensus splice site. In summary, the currently available evidence indicates that the variant is pathogenic, but additional data are needed to prove that conclusively. Therefore, this variant has been classified as Likely Pathogenic.

Literature cited by the submitters: PubMed 16199547; PubMed 25407000; PubMed 29575632.